The following is an entry in ClinVar:

ClinVar aggregate classification (germline): Uncertain significance (1 of 4 stars; one submission).

Conditions:
Inborn genetic diseases. Identifiers: MedGen C0950123, MeSH D030342.

gnomAD v4.1: 1 of 1,614,118 alleles (0.000062%); highest among the groups gnomAD compares: African/African-American, 0.0013%; no homozygotes.

Submission:

Ambry Genetics
Classification: Uncertain significance for Inborn genetic diseases. Last evaluated: 2025-04-17. Review status: criteria provided, single submitter. Criteria: Ambry Variant Classification Scheme 2023. Collection method: clinical testing. Allele origin: germline.
Comment: The p.P60L variant (also known as c.179C>T), located in coding exon 2 of the USB1 gene, results from a C to T substitution at nucleotide position 179. The proline at codon 60 is replaced by leucine, an amino acid with similar properties. This amino acid position is conserved. In addition, this alteration is predicted to be tolerated by in silico analysis. Based on the available evidence, the clinical significance of this variant remains unclear.

NM_024598.4(USB1):c.179C>T (p.Pro60Leu)

Gene: USB1 (U6 snRNA biogenesis phosphodiesterase 1; plus strand). Cytogenetic location: 16q21.
Variant type: single nucleotide variant.
Coding change: c.179C>T on transcript NM_024598.4 (MANE Select); coding-DNA position 179, C replaced by T.
Protein change: p.Pro60Leu; replaces proline 60 with leucine.
Molecular consequence: missense variant.
Genome position (GRCh38, 1-based): chr16:58,002,559, C>T. VCF-style: chr16-58002559-C-T. GRCh37 (hg19) VCF-style: chr16-58036463-C-T.
Other names: c.179C>T, p.Pro60Leu (NM_001195302.2, NM_001204911.2, NM_001330569.2); c.26C>T, p.Pro9Leu (NM_001330568.2); short protein forms P9L, P60L.
Identifiers: ClinVar variation 3978159 (VCV003978159.1).